The following is an entry in ClinVar:

NM_032590.5(KDM2B):c.1431G>A (p.Ser477=)

Gene: KDM2B (lysine demethylase 2B; minus strand). Cytogenetic location: 12q24.31.
Variant type: single nucleotide variant.
Coding change: c.1431G>A on transcript NM_032590.5 (MANE Select); coding-DNA position 1431, G replaced by A.
Protein change: p.Ser477=; no amino-acid change (serine 477 retained).
Molecular consequence: synonymous variant.
Genome position (GRCh38, 1-based): chr12:121,509,783, C>T on the plus strand (G>A on the coding strand, the complement: KDM2B is on the minus strand). VCF-style: chr12-121509783-C-T. GRCh37 (hg19) VCF-style: chr12-121947586-C-T.
Other names: c.1338G>A, p.Ser446= (NM_001005366.2).
Identifiers: ClinVar variation 3050555 (VCV003050555.2), dbSNP rs201253347, ClinGen allele CA6836919.

ClinVar aggregate classification (germline): Likely benign (0 of 4 stars; one submission).

Conditions:
KDM2B-related disorder. Also called: KDM2B-related condition.

Allele frequency attached by ClinVar (database versions not stated): gnomAD exomes 0.00003; TOPMed 0.00003; gnomAD 0.00005; ExAC 0.00007.
gnomAD v4.1: 59 of 1,614,008 alleles (0.0037%); highest among the groups gnomAD compares: South Asian, 0.0077%; no homozygotes.

Submission:

PreventionGenetics, part of Exact Sciences
Classification: Likely benign for KDM2B-related condition. Last evaluated: 2019-07-12. Review status: no assertion criteria provided. Collection method: clinical testing. Allele origin: germline.
Comment: This variant is classified as likely benign based on ACMG/AMP sequence variant interpretation guidelines (Richards et al. 2015 PMID: 25741868, with internal and published modifications).